The following is an entry in ClinVar:

ClinVar aggregate classification (germline): Uncertain significance (1 of 4 stars; one submission).

Conditions:
Cardiovascular phenotype. Identifiers: MedGen CN230736.

Allele frequency attached by ClinVar (database versions not stated): gnomAD exomes below 0.00001.
gnomAD v4.1: 2 of 1,614,088 alleles (0.00012%); highest among the groups gnomAD compares: South Asian, 0.0022%; no homozygotes.

Submission:

Ambry Genetics
Classification: Uncertain significance for Cardiovascular phenotype. Last evaluated: 2023-11-11. Review status: criteria provided, single submitter. Criteria: Ambry Variant Classification Scheme 2023. Collection method: clinical testing. Allele origin: germline.
Comment: The p.R2757G variant (also known as c.8269A>G), located in coding exon 38 of the ANK2 gene, results from an A to G substitution at nucleotide position 8269. The arginine at codon 2757 is replaced by glycine, an amino acid with dissimilar properties. This amino acid position is conserved. In addition, this alteration is predicted to be tolerated by in silico analysis. Since supporting evidence is limited at this time, the clinical significance of this alteration remains unclear.

NM_001148.6(ANK2):c.8269A>G (p.Arg2757Gly)

Gene: ANK2 (ankyrin 2; plus strand). Cytogenetic location: 4q26.
Variant type: single nucleotide variant.
Coding change: c.8269A>G on transcript NM_001148.6 (MANE Select); coding-DNA position 8269, A replaced by G.
Protein change: p.Arg2757Gly; replaces arginine 2757 with glycine.
Molecular consequence: missense variant. On other transcripts: intron variant (68).
Genome position (GRCh38, 1-based): chr4:113,356,887, A>G. VCF-style: chr4-113356887-A-G. GRCh37 (hg19) VCF-style: chr4-114278043-A-G.
Other names: c.4397-3936A>G (NM_001354239.2, NM_001354252.2); c.4298-3936A>G (NM_001354272.2); c.4361-3936A>G (NM_001354244.2, NM_001354256.2, NM_001386161.1); c.4400-3936A>G (NM_001127493.3); c.4364-3936A>G (NM_001386143.1, NM_001354243.2, NM_001354255.2); c.4265-3936A>G (NM_001354262.2, NM_001354275.2, NM_001354245.2); c.4202-3936A>G (NM_001354253.2, NM_001354270.2); c.4166-3936A>G (NM_001354257.2, NM_001386156.1); and 35 more; short protein forms R1557G, R2679G, R2757G, R2796G, R2804G.
Identifiers: ClinVar variation 3221010 (VCV003221010.1), dbSNP rs2505829812, ClinGen allele CA357933603.